The following is an entry in ClinVar:

ClinVar aggregate classification (germline): Uncertain significance (1 of 4 stars; one submission).

Submission:

Labcorp Genetics (formerly Invitae), Labcorp
Classification: Uncertain significance. Last evaluated: 2022-06-27. Review status: criteria provided, single submitter. Criteria: Invitae Variant Classification Sherloc (09022015). Collection method: clinical testing. Allele origin: germline.
Comment: This sequence change replaces serine, which is neutral and polar, with proline, which is neutral and non-polar, at codon 128 of the ACAN protein (p.Ser128Pro). This variant is not present in population databases (gnomAD no frequency). This variant has not been reported in the literature in individuals affected with ACAN-related conditions. Algorithms developed to predict the effect of missense changes on protein structure and function are either unavailable or do not agree on the potential impact of this missense change (SIFT: "Deleterious"; PolyPhen-2: "Not Available"; Align-GVGD: "Class C65"). In summary, the available evidence is currently insufficient to determine the role of this variant in disease. Therefore, it has been classified as a Variant of Uncertain Significance.

NM_001369268.1(ACAN):c.382T>C (p.Ser128Pro)

Gene: ACAN (aggrecan; plus strand). Cytogenetic location: 15q26.1.
Variant type: single nucleotide variant.
Coding change: c.382T>C on transcript NM_001369268.1 (MANE Select); coding-DNA position 382, T replaced by C.
Protein change: p.Ser128Pro; replaces serine 128 with proline.
Molecular consequence: missense variant.
Genome position (GRCh38, 1-based): chr15:88,838,974, T>C. VCF-style: chr15-88838974-T-C. GRCh37 (hg19) VCF-style: chr15-89382205-T-C.
Other names: c.382T>C, p.Ser128Pro (NM_001135.4, NM_013227.4); short protein forms S128P.
Identifiers: ClinVar variation 1502140 (VCV001502140.8), dbSNP rs2141564162, ClinGen allele CA393716375.